The following is an entry in ClinVar:

ClinVar aggregate classification (germline): Uncertain significance (1 of 4 stars; one submission).

Conditions:
Charcot-Marie-Tooth disease type 4. Also called: Charcot-Marie-Tooth, Type 4; Charcot-Marie-Tooth disease, type IV. Identifiers: Orphanet 64749, MedGen C4082197, MONDO:0018995.

Submission:

Labcorp Genetics (formerly Invitae), Labcorp
Classification: Uncertain significance for Charcot-Marie-Tooth disease type 4. Last evaluated: 2022-10-13. Review status: criteria provided, single submitter. Criteria: Invitae Variant Classification Sherloc (09022015). Collection method: clinical testing. Allele origin: germline.
Comment: This sequence change replaces serine, which is neutral and polar, with alanine, which is neutral and non-polar, at codon 505 of the FGD4 protein (p.Ser505Ala). In summary, the available evidence is currently insufficient to determine the role of this variant in disease. Therefore, it has been classified as a Variant of Uncertain Significance. Algorithms developed to predict the effect of missense changes on protein structure and function (SIFT, PolyPhen-2, Align-GVGD) all suggest that this variant is likely to be disruptive. This variant has not been reported in the literature in individuals affected with FGD4-related conditions. This variant is not present in population databases (gnomAD no frequency).

NM_001370298.3(FGD4):c.1924T>G (p.Ser642Ala)

Gene: FGD4 (FYVE, RhoGEF and PH domain containing 4; plus strand). Cytogenetic location: 12p11.21.
Variant type: single nucleotide variant.
Coding change: c.1924T>G on transcript NM_001370298.3 (MANE Select); coding-DNA position 1924, T replaced by G.
Protein change: p.Ser642Ala; replaces serine 642 with alanine.
Molecular consequence: missense variant.
Genome position (GRCh38, 1-based): chr12:32,624,423, T>G. VCF-style: chr12-32624423-T-G. GRCh37 (hg19) VCF-style: chr12-32777357-T-G.
Other names: c.1768T>G, p.Ser590Ala (NM_001304481.2); c.769T>G, p.Ser257Ala (NM_001304483.2); c.481T>G, p.Ser161Ala (NM_001304484.2); c.1234T>G, p.Ser412Ala (NM_001330373.2, NM_001330374.2, NM_001384130.1); c.961T>G, p.Ser321Ala (NM_001370297.1); c.1924T>G, p.Ser642Ala (NM_001384126.1); c.1513T>G, p.Ser505Ala (NM_001384127.1, NM_001384128.1, NM_001385118.1 and 1 more transcripts); short protein forms S161A, S321A, S257A, S505A, S590A, S642A, S412A.
Identifiers: ClinVar variation 2039797 (VCV002039797.4), dbSNP rs2540775934, ClinGen allele CA384365921.